The following is an entry in ClinVar:

NM_003240.5(LEFTY2):c.835A>G (p.Lys279Glu)

Gene: LEFTY2 (left-right determination factor 2; minus strand). Cytogenetic location: 1q42.12.
Variant type: single nucleotide variant.
Coding change: c.835A>G on transcript NM_003240.5 (MANE Select); coding-DNA position 835, A replaced by G.
Protein change: p.Lys279Glu; replaces lysine 279 with glutamic acid.
Molecular consequence: missense variant.
Genome position (GRCh38, 1-based): chr1:225,937,707, T>C on the plus strand (A>G on the coding strand, the complement: LEFTY2 is on the minus strand). VCF-style: chr1-225937707-T-C. GRCh37 (hg19) VCF-style: chr1-226125407-T-C.
Other names: c.733A>G, p.Lys245Glu (NM_001172425.3); short protein forms K279E, K245E.
Identifiers: ClinVar variation 536417 (VCV000536417.13), dbSNP rs539025487, ClinGen allele CA1420466.

ClinVar aggregate classification (germline): Conflicting classifications of pathogenicity. Review status: criteria provided, conflicting classifications (1 of 4 stars). 2 submissions from 2 submitters: Uncertain significance (1); Likely benign (1). Last evaluated 2024-09-26.

Conditions:
Left-right axis malformations. Identifiers: MedGen C1866091.

Allele frequency attached by ClinVar (database versions not stated): gnomAD exomes 0.00004 and 0.00006; ExAC 0.00006; gnomAD 0.00015 and 0.00018; 1000 Genomes Project 30x 0.00016; TOPMed 0.00019; 1000 Genomes Project 0.00020.

Submissions (2):

Ambry Genetics
Classification: Likely benign. Last evaluated: 2024-09-26. Review status: criteria provided, single submitter. Criteria: Ambry Variant Classification Scheme 2023. Collection method: clinical testing. Allele origin: germline.

Labcorp Genetics (formerly Invitae), Labcorp
Classification: Uncertain significance for Left-right axis malformations. Last evaluated: 2023-05-05. Review status: criteria provided, single submitter. Criteria: Invitae Variant Classification Sherloc (09022015). Collection method: clinical testing. Allele origin: germline.
Comment: This sequence change replaces lysine, which is basic and polar, with glutamic acid, which is acidic and polar, at codon 279 of the LEFTY2 protein (p.Lys279Glu). In summary, the available evidence is currently insufficient to determine the role of this variant in disease. Therefore, it has been classified as a Variant of Uncertain Significance. Algorithms developed to predict the effect of missense changes on protein structure and function output the following: SIFT: "Not Available"; PolyPhen-2: "Benign"; Align-GVGD: "Not Available". The glutamic acid amino acid residue is found in multiple mammalian species, which suggests that this missense change does not adversely affect protein function. ClinVar contains an entry for this variant (Variation ID: 536417). This variant has not been reported in the literature in individuals affected with LEFTY2-related conditions. This variant is present in population databases (rs539025487, gnomAD 0.04%), and has an allele count higher than expected for a pathogenic variant.